The following is an entry in ClinVar:

NM_021008.4(DEAF1):c.1522G>A (p.Gly508Ser)

Gene: DEAF1 (DEAF1 transcription factor; minus strand). Cytogenetic location: 11p15.5.
Variant type: single nucleotide variant.
Coding change: c.1522G>A on transcript NM_021008.4 (MANE Select); coding-DNA position 1522, G replaced by A.
Protein change: p.Gly508Ser; replaces glycine 508 with serine.
Molecular consequence: missense variant.
Genome position (GRCh38, 1-based): chr11:654,033, C>T on the plus strand (G>A on the coding strand, the complement: DEAF1 is on the minus strand). VCF-style: chr11-654033-C-T. GRCh37 (hg19) VCF-style: chr11-654033-C-T.
Other names: c.1297G>A, p.Gly433Ser (NM_001293634.2); c.796G>A, p.Gly266Ser (NM_001367390.1); short protein forms G433S, G266S, G508S.
Identifiers: ClinVar variation 2140929 (VCV002140929.4), dbSNP rs776979045, ClinGen allele CA5786160.
Genomic context (GRCh38, chr11:654,033, plus strand): 5'-AGAAGGTGGAGCAGTAGTTGACCTTGTGGCAGCCGGTGCACTCGCTCATAGCCTCCCGGC[C>T]GCAGTTAACGCAGGACTGCTGCAAGAAGGACACAACAGGCCAGTCAGTGACGTGGCCGTG-3'
Protein context (NP_066288.2, residues 498-518): ERKEQSCVNC[Gly508Ser]REAMSECTGC

ClinVar aggregate classification (germline): Uncertain significance (1 of 4 stars; one submission).

Allele frequency attached by ClinVar (database versions not stated): gnomAD exomes 0.00001; ExAC 0.00002; TOPMed 0.00002; gnomAD 0.00003.
gnomAD v4.1: 25 of 1,613,424 alleles (0.0015%); highest among the groups gnomAD compares: Non-Finnish European, 0.0018%; no homozygotes.

Submission:

Labcorp Genetics (formerly Invitae), Labcorp
Classification: Uncertain significance. Last evaluated: 2023-07-29. Review status: criteria provided, single submitter. Criteria: Invitae Variant Classification Sherloc (09022015). Collection method: clinical testing. Allele origin: germline.
Comment: In summary, the available evidence is currently insufficient to determine the role of this variant in disease. Therefore, it has been classified as a Variant of Uncertain Significance. Advanced modeling of protein sequence and biophysical properties (such as structural, functional, and spatial information, amino acid conservation, physicochemical variation, residue mobility, and thermodynamic stability) has been performed at Invitae for this missense variant, however the output from this modeling did not meet the statistical confidence thresholds required to predict the impact of this variant on DEAF1 protein function. ClinVar contains an entry for this variant (Variation ID: 2140929). This variant has not been reported in the literature in individuals affected with DEAF1-related conditions. This variant is present in population databases (rs776979045, gnomAD 0.005%). This sequence change replaces glycine, which is neutral and non-polar, with serine, which is neutral and polar, at codon 508 of the DEAF1 protein (p.Gly508Ser).